The following is an entry in ClinVar:

NM_000222.3(KIT):c.1924A>G (p.Lys642Glu)

Gene: KIT (KIT proto-oncogene, receptor tyrosine kinase; plus strand). Cytogenetic location: 4q12.
Variant type: single nucleotide variant.
Coding change: c.1924A>G on transcript NM_000222.3 (MANE Select); coding-DNA position 1924, A replaced by G.
Protein change: p.Lys642Glu; replaces lysine 642 with glutamic acid.
Molecular consequence: missense variant.
Genome position (GRCh38, 1-based): chr4:54,728,055, A>G. VCF-style: chr4-54728055-A-G. GRCh37 (hg19) VCF-style: chr4-55594221-A-G.
Other names: c.1912A>G, p.Lys638Glu (NM_001093772.2, NM_001385286.1); c.1927A>G, p.Lys643Glu (NM_001385284.1, NM_001385290.1); c.1924A>G, p.Lys642Glu (NM_001385285.1); c.1915A>G, p.Lys639Glu (NM_001385288.1, NM_001385292.1); short protein forms K642E, K638E, K639E, K643E.
Identifiers: ClinVar variation 13866 (VCV000013866.14), dbSNP rs121913512, ClinGen allele CA123547.

ClinVar aggregate classification (germline): Pathogenic. Review status: criteria provided, multiple submitters, no conflicts (2 of 4 stars). 3 submissions from 3 submitters: Pathogenic (2). 1 of the submissions does not count toward it. Last evaluated 2025-02-04.
ClinVar aggregate classification (somatic clinical impact): Tier I - Strong (1 of 4 stars; one submission).
ClinVar aggregate classification (oncogenicity): Likely oncogenic (0 of 4 stars; one submission).

Conditions:
Gastrointestinal stromal tumor. Also called: Gastrointestinal stromal tumor, somatic; Gastrointestinal stroma tumor. Identifiers: Orphanet 44890, MedGen C0238198, MeSH D046152, MONDO:0011719, OMIM 606764, HP:0100723.
Gastrointestinal stromal tumor, familial. Identifiers: MedGen C2674636.
Germinoma. Also called: Germinoma (disease). Identifiers: MedGen C0206660, MONDO:0002598, HP:0100620.

Submissions (5):

Department of Clinical Genetics, Copenhagen University Hospital, Rigshospitalet
Classification: Pathogenic for Gastrointestinal stromal tumor. Last evaluated: 2025-02-04. Review status: criteria provided, single submitter. Criteria: ACMG Guidelines, 2015. Collection method: clinical testing. Allele origin: germline.
Comment: The following ACMG criteria have been used in classification: PM2_SUP; PP3; PS4; PP1; PS3

Labcorp Genetics (formerly Invitae), Labcorp
Classification: Pathogenic for Gastrointestinal stromal tumor. Last evaluated: 2024-10-24. Review status: criteria provided, single submitter. Criteria: Invitae Variant Classification Sherloc (09022015). Collection method: clinical testing. Allele origin: germline.
Comment: This sequence change replaces lysine, which is basic and polar, with glutamic acid, which is acidic and polar, at codon 642 of the KIT protein (p.Lys642Glu). This variant is not present in population databases (gnomAD no frequency). This missense change has been observed in individual(s) with familial gastrointestinal stromal tumors (PMID: 17824795, 22626674, 23648119, 29098070). It has also been observed to segregate with disease in related individuals. ClinVar contains an entry for this variant (Variation ID: 13866). An algorithm developed to predict the effect of missense changes on protein structure and function (PolyPhen-2) suggests that this variant is likely to be disruptive. Experimental studies have shown that this missense change affects KIT function (PMID: 11073817). For these reasons, this variant has been classified as Pathogenic.

Institute for Genomic Medicine (IGM) Clinical Laboratory, Nationwide Children's Hospital
Classification: Tier I - Strong for Germinoma. Assertion type: diagnostic. Clinical significance: supports diagnosis. Last evaluated: 2023-12-27. Review status: criteria provided, single submitter. Criteria: AMP/ASCO/CAP Guidelines, 2017. Collection method: clinical testing. Allele origin: somatic. Affected: yes.
Comment: Variant has Tier I (strong) clinical significance as a diagnostic inclusion criterion in germinoma, based on the following evidence: 1) Documented in one or more cancer databases (e.g., St. Jude Pecan, COSMIC, CIViC, OncoKB). 2) Appears in one or more well-established professional guidelines (e.g., World Health Organization [WHO]; National Comprehensive Cancer Network [NCCN]) as providing diagnostic, prognostic, or therapeutic information. 3) Information in the literature supports potential biologic effect of variant (PMIDs: 11526490, 16954519). 4) Diagnostic for a specific tumor type/classification based on well-powered studies with expert-level consensus (Evidence Level B; PMIDs: 24452629, 24896186, 27391150).

OMIM
Classification: Pathogenic for GASTROINTESTINAL STROMAL TUMOR, FAMILIAL. Last evaluated: 2000-11-01. Review status: no assertion criteria provided. Collection method: literature only. Allele origin: germline. Not counted in ClinVar's aggregate classification.

National Institute of Cancer Research, National Health Research Institutes
Classification: Likely oncogenic for Gastrointestinal stromal tumor. Review status: no assertion criteria provided. Collection method: research. Allele origin: somatic. Affected: yes. Observed: 1 variant allele.
Comment: the literature

Literature cited by the submitters: PubMed 22640790 (cited by Department of Clinical Genetics, Copenhagen University Hospital, Rigshospitalet); PubMed 11073817 (cited by 3 submitters); PubMed 17824795 (cited by Labcorp Genetics (formerly Invitae), Labcorp); PubMed 22626674 (cited by Labcorp Genetics (formerly Invitae), Labcorp); PubMed 23648119 (cited by Labcorp Genetics (formerly Invitae), Labcorp); PubMed 29098070 (cited by Labcorp Genetics (formerly Invitae), Labcorp); PubMed 11526490 (cited by Institute for Genomic Medicine (IGM) Clinical Laboratory, Nationwide Children's Hospital); PubMed 16954519 (cited by Institute for Genomic Medicine (IGM) Clinical Laboratory, Nationwide Children's Hospital); PubMed 24452629 (cited by Institute for Genomic Medicine (IGM) Clinical Laboratory, Nationwide Children's Hospital); PubMed 24896186 (cited by Institute for Genomic Medicine (IGM) Clinical Laboratory, Nationwide Children's Hospital); PubMed 27391150 (cited by Institute for Genomic Medicine (IGM) Clinical Laboratory, Nationwide Children's Hospital).